The following is an entry in ClinVar:

NM_001364905.1(LRBA):c.7210T>C (p.Phe2404Leu)

Gene: LRBA (LPS responsive beige-like anchor protein; minus strand). Cytogenetic location: 4q31.3.
Variant type: single nucleotide variant.
Coding change: c.7210T>C on transcript NM_001364905.1 (MANE Select); coding-DNA position 7210, T replaced by C.
Protein change: p.Phe2404Leu; replaces phenylalanine 2404 with leucine.
Molecular consequence: missense variant.
Genome position (GRCh38, 1-based): chr4:150,350,144, A>G on the plus strand (T>C on the coding strand, the complement: LRBA is on the minus strand). VCF-style: chr4-150350144-A-G. GRCh37 (hg19) VCF-style: chr4-151271296-A-G.
Other names: c.7210T>C, p.Phe2404Leu (NM_001199282.3, NM_001367550.1); c.7243T>C, p.Phe2415Leu (NM_006726.5); short protein forms F2415L, F2404L.
Identifiers: ClinVar variation 1390638 (VCV001390638.6), dbSNP rs2127055842, ClinGen allele CA358605647.

ClinVar aggregate classification (germline): Uncertain significance (1 of 4 stars; one submission).

Conditions:
Combined immunodeficiency due to LRBA deficiency. Also called: Common variable immunodeficiency 8, with autoimmunity. Identifiers: Orphanet 445018, MedGen C3553512, MONDO:0013863, OMIM 614700.

Submission:

Labcorp Genetics (formerly Invitae), Labcorp
Classification: Uncertain significance for Combined immunodeficiency due to LRBA deficiency. Last evaluated: 2022-04-13. Review status: criteria provided, single submitter. Criteria: Invitae Variant Classification Sherloc (09022015). Collection method: clinical testing. Allele origin: germline.
Comment: In summary, the available evidence is currently insufficient to determine the role of this variant in disease. Therefore, it has been classified as a Variant of Uncertain Significance. Algorithms developed to predict the effect of missense changes on protein structure and function are either unavailable or do not agree on the potential impact of this missense change (SIFT: "Tolerated"; PolyPhen-2: "Probably Damaging"; Align-GVGD: "Class C0"). This variant has not been reported in the literature in individuals affected with LRBA-related conditions. This variant is not present in population databases (gnomAD no frequency). This sequence change replaces phenylalanine, which is neutral and non-polar, with leucine, which is neutral and non-polar, at codon 2415 of the LRBA protein (p.Phe2415Leu).